The following is an entry in ClinVar:

NM_014159.7(SETD2):c.2551G>C (p.Glu851Gln)

Gene: SETD2 (SET domain containing 2, histone lysine methyltransferase; minus strand). Cytogenetic location: 3p21.31.
Variant type: single nucleotide variant.
Coding change: c.2551G>C on transcript NM_014159.7 (MANE Select); coding-DNA position 2551, G replaced by C.
Protein change: p.Glu851Gln; replaces glutamic acid 851 with glutamine.
Molecular consequence: missense variant. On other transcripts: non-coding transcript variant (1).
Genome position (GRCh38, 1-based): chr3:47,122,085, C>G on the plus strand (G>C on the coding strand, the complement: SETD2 is on the minus strand). VCF-style: chr3-47122085-C-G. GRCh37 (hg19) VCF-style: chr3-47163575-C-G.
Other names: c.2419G>C, p.Glu807Gln (NM_001349370.3); short protein forms E807Q, E851Q.
Identifiers: ClinVar variation 5017312 (VCV005017312.1).

ClinVar aggregate classification (germline): Uncertain significance (1 of 4 stars; one submission).

Submission:

GeneDx
Classification: Uncertain significance. Last evaluated: 2026-03-26. Review status: criteria provided, single submitter. Criteria: GeneDx Variant Classification Process June 2021. Collection method: clinical testing. Allele origin: germline.
Comment: Not observed at significant frequency in large population cohorts (gnomAD); In silico analysis suggests that this missense variant does not alter protein structure/function; Has not been previously published as pathogenic or benign to our knowledge